The following is an entry in ClinVar:

NM_021076.4(NEFH):c.163G>C (p.Val55Leu)

Gene: NEFH (neurofilament heavy chain; plus strand). Cytogenetic location: 22q12.2.
Variant type: single nucleotide variant.
Coding change: c.163G>C on transcript NM_021076.4 (MANE Select); coding-DNA position 163, G replaced by C.
Protein change: p.Val55Leu; replaces valine 55 with leucine.
Molecular consequence: missense variant.
Genome position (GRCh38, 1-based): chr22:29,480,425, G>C. VCF-style: chr22-29480425-G-C. GRCh37 (hg19) VCF-style: chr22-29876414-G-C.
Other names: short protein forms V55L.
Identifiers: ClinVar variation 1777018 (VCV001777018.5), dbSNP rs2062996518, ClinGen allele CA411121699.

ClinVar aggregate classification (germline): Uncertain significance. Review status: criteria provided, multiple submitters, no conflicts (2 of 4 stars). 2 submissions from 2 submitters: Uncertain significance (2). Last evaluated 2024-06-17.

Conditions:
Inborn genetic diseases. Identifiers: MedGen C0950123, MeSH D030342.

Allele frequency attached by ClinVar (database versions not stated): TOPMed 0.00001.

Submissions (2):

Labcorp Genetics (formerly Invitae), Labcorp
Classification: Uncertain significance. Last evaluated: 2024-06-17. Review status: criteria provided, single submitter. Criteria: Invitae Variant Classification Sherloc (09022015). Collection method: clinical testing. Allele origin: germline.
Comment: This sequence change replaces valine, which is neutral and non-polar, with leucine, which is neutral and non-polar, at codon 55 of the NEFH protein (p.Val55Leu). This variant is not present in population databases (gnomAD no frequency). This variant has not been reported in the literature in individuals affected with NEFH-related conditions. ClinVar contains an entry for this variant (Variation ID: 1777018). Advanced modeling of protein sequence and biophysical properties (such as structural, functional, and spatial information, amino acid conservation, physicochemical variation, residue mobility, and thermodynamic stability) performed at Invitae indicates that this missense variant is not expected to disrupt NEFH protein function with a negative predictive value of 95%. In summary, the available evidence is currently insufficient to determine the role of this variant in disease. Therefore, it has been classified as a Variant of Uncertain Significance.

Ambry Genetics
Classification: Uncertain significance for Inborn genetic diseases. Last evaluated: 2021-07-13. Review status: criteria provided, single submitter. Criteria: Ambry Variant Classification Scheme 2023. Collection method: clinical testing. Allele origin: germline.
Comment: The p.V55L variant (also known as c.163G>C), located in coding exon 1 of the NEFH gene, results from a G to C substitution at nucleotide position 163. The valine at codon 55 is replaced by leucine, an amino acid with highly similar properties. This amino acid position is conserved. In addition, this alteration is predicted to be tolerated by in silico analysis. Since supporting evidence is limited at this time, the clinical significance of this alteration remains unclear.